The following is an entry in ClinVar:

ClinVar aggregate classification (germline): Benign (0 of 4 stars; one submission).

Conditions:
HLA-B-related disorder. Also called: HLA-B-related condition.

Allele frequency attached by ClinVar (database versions not stated): gnomAD 0.33954; 1000 Genomes Project 30x 0.54091; gnomAD exomes 0.63346; ExAC 0.69650.

Submission:

PreventionGenetics, part of Exact Sciences
Classification: Benign for HLA-B-related condition. Last evaluated: 2020-12-17. Review status: no assertion criteria provided. Collection method: clinical testing. Allele origin: germline.
Comment: This variant is classified as benign based on ACMG/AMP sequence variant interpretation guidelines (Richards et al. 2015 PMID: 25741868, with internal and published modifications).

NM_005514.8(HLA-B):c.282_283del (p.Gln94fs)

Gene: HLA-B (major histocompatibility complex, class I, B; minus strand). Cytogenetic location: 6p21.33.
Variant type: Deletion.
Coding change: c.282_283del on transcript NM_005514.8 (MANE Select); coding-DNA positions 282 to 283, 2 bases deleted (GG; older notation c.282_283delGG).
Protein change: p.Gln94fs; shifts the reading frame from glutamine 94.
Molecular consequence: frameshift variant.
Genome position (GRCh38, 1-based): chr6:31,356,748-31,356,749, CC deleted on the plus strand (GG on the coding strand, the reverse complement: HLA-B is on the minus strand). VCF-style (leftmost placement, unchanged base first): chr6-31356747-GCC-G. GRCh37 (hg19) VCF-style: chr6-31324524-GCC-G.
Other names: short protein forms Q94fs.
Identifiers: ClinVar variation 3060355 (VCV003060355.2), dbSNP rs750527298, ClinGen allele CA3711763.